The following is an entry in ClinVar:

ClinVar aggregate classification (germline): Benign. Review status: criteria provided, multiple submitters, no conflicts (2 of 4 stars). 5 submissions from 5 submitters: Benign (4). 1 of the submissions does not count toward it. Last evaluated 2026-01-26.

Conditions:
ATRIP-related disorder. Also called: ATRIP-related condition.

Allele frequency attached by ClinVar (database versions not stated): 1000 Genomes Project 0.01817; gnomAD 0.01515 and 0.01420; gnomAD exomes 0.00138 and 0.00402; ESP Exome Variant Server 0.01768; ExAC 0.00489; 1000 Genomes Project 30x 0.01983; TOPMed 0.01703.
gnomAD v4.1: 4,274 of 1,613,116 alleles (0.26%); highest among the groups gnomAD compares: African/African-American, 4.7%; 97 homozygotes.

Submissions (5):

Labcorp Genetics (formerly Invitae), Labcorp
Classification: Benign. Last evaluated: 2026-01-26. Review status: criteria provided, single submitter. Criteria: Invitae Variant Classification Sherloc (09022015). Collection method: clinical testing. Allele origin: germline.

Ambry Genetics
Classification: Benign. Last evaluated: 2024-10-28. Review status: criteria provided, single submitter. Criteria: Ambry Variant Classification Scheme 2023. Collection method: clinical testing. Allele origin: germline.

GeneDx
Classification: Benign. Last evaluated: 2018-07-14. Review status: criteria provided, single submitter. Criteria: GeneDx Variant Classification Process June 2021. Collection method: clinical testing. Allele origin: germline. Affected: yes.

Breakthrough Genomics
Classification: Benign. Review status: criteria provided, single submitter. Criteria: ACMG Guidelines, 2015. Collection method: not provided. Allele origin: germline. Inheritance: Unknown mechanism. Affected: yes.

PreventionGenetics, part of Exact Sciences
Classification: Benign for ATRIP-related condition. Last evaluated: 2019-03-12. Review status: no assertion criteria provided. Collection method: clinical testing. Allele origin: germline. Not counted in ClinVar's aggregate classification.
Comment: This variant is classified as benign based on ACMG/AMP sequence variant interpretation guidelines (Richards et al. 2015 PMID: 25741868, with internal and published modifications).

NM_130384.3(ATRIP):c.2274C>T (p.Leu758=)

Genes: ATRIP (ATR interacting protein; plus strand), ATRIP-TREX1 (ATRIP-TREX1 readthrough; plus strand). Cytogenetic location: 3p21.31.
Variant type: single nucleotide variant.
Coding change: c.2274C>T on transcript NM_130384.3 (MANE Select); coding-DNA position 2274, C replaced by T.
Protein change: p.Leu758=; no amino-acid change (leucine 758 retained).
Molecular consequence: synonymous variant. On other transcripts: non-coding transcript variant (1).
Genome position (GRCh38, 1-based): chr3:48,465,049, C>T. VCF-style: chr3-48465049-C-T. GRCh37 (hg19) VCF-style: chr3-48506448-C-T.
Other names: c.2274C>T (NM_130384.1); c.1893C>T, p.Leu631= (NM_001271022.2); c.1995C>T, p.Leu665= (NM_001271023.2); c.2193C>T, p.Leu731= (NM_032166.4).
Identifiers: ClinVar variation 770524 (VCV000770524.16), dbSNP rs36041404, ClinGen allele CA2376445.